The following is an entry in ClinVar:

ClinVar aggregate classification (germline): Likely pathogenic (0 of 4 stars; one submission).

Conditions:
Renal-hepatic-pancreatic dysplasia 1 (RHPD1). Identifiers: MedGen C3715199, MONDO:0008833, OMIM 208540.

Submission:

Molecular Genetics, Sichuan Provincial Maternity and Child Health Care Hospital
Classification: Likely pathogenic for Renal-hepatic-pancreatic dysplasia 1. Last evaluated: 2021-12-16. Review status: no assertion criteria provided. Collection method: clinical testing. Allele origin: maternal. Inheritance: Autosomal recessive inheritance. Affected: yes. Observed: 1 compound heterozygote.
Comment: According to the American College of Medical Genetics and Genomics (ACMG)/ the Association for Molecular Pathology guideline (Genet Med. 2015), NPHP3 NM_153240.5: c.1761G>A: p.W587* was classified as “Likely Pathogenic” with PVS1 (loss-of-function is the known mechanism of RHPD1 disorder) + PM2 (Absent from controls in genome Aggregation Database, 1000 Genomes Project, or Exome Aggregation Consortium).

NM_153240.5(NPHP3):c.1761G>A (p.Trp587Ter)

Genes: NPHP3 (nephrocystin 3; minus strand), NPHP3-ACAD11 (NPHP3-ACAD11 readthrough (NMD candidate); minus strand). Cytogenetic location: 3q22.1.
Variant type: single nucleotide variant.
Coding change: c.1761G>A on transcript NM_153240.5 (MANE Select); coding-DNA position 1761, G replaced by A.
Protein change: p.Trp587Ter; replaces tryptophan 587 with a stop codon.
Molecular consequence: nonsense. On other transcripts: non-coding transcript variant (1).
Genome position (GRCh38, 1-based): chr3:132,700,044, C>T on the plus strand (G>A on the coding strand, the complement: NPHP3 is on the minus strand). VCF-style: chr3-132700044-C-T. GRCh37 (hg19) VCF-style: chr3-132418888-C-T.
Other names: short protein forms W587*.
Identifiers: ClinVar variation 1705947 (VCV001705947.2), dbSNP rs2530433595, ClinGen allele CA354582855.